The following is an entry in ClinVar:

NM_003240.5(LEFTY2):c.425A>G (p.Gln142Arg)

Gene: LEFTY2 (left-right determination factor 2; minus strand). Cytogenetic location: 1q42.12.
Variant type: single nucleotide variant.
Coding change: c.425A>G on transcript NM_003240.5 (MANE Select); coding-DNA position 425, A replaced by G.
Protein change: p.Gln142Arg; replaces glutamine 142 with arginine.
Molecular consequence: missense variant.
Genome position (GRCh38, 1-based): chr1:225,939,828, T>C on the plus strand (A>G on the coding strand, the complement: LEFTY2 is on the minus strand). VCF-style: chr1-225939828-T-C. GRCh37 (hg19) VCF-style: chr1-226127528-T-C.
Other names: c.323A>G, p.Gln108Arg (NM_001172425.3); c.425A>G (NM_003240.4); short protein forms Q142R, Q108R.
Identifiers: ClinVar variation 295971 (VCV000295971.18), dbSNP rs429477, ClinGen allele CA1420600.

ClinVar aggregate classification (germline): Benign/Likely benign. Review status: criteria provided, multiple submitters, no conflicts (2 of 4 stars). 4 submissions from 4 submitters: Benign (2); Likely benign (1). 1 of the submissions does not count toward it. Last evaluated 2025-12-15.

Conditions:
Left-right axis malformations. Identifiers: MedGen C1866091.
LEFTY2-related disorder. Also called: LEFTY2-related condition.

Allele frequency attached by ClinVar (database versions not stated): gnomAD exomes 0.00141 and 0.00235; TOPMed 0.00179; gnomAD 0.00195 and 0.00237; ExAC 0.00251; 1000 Genomes Project 0.00399; 1000 Genomes Project 30x 0.00609.

Submissions (4):

Labcorp Genetics (formerly Invitae), Labcorp
Classification: Benign for Left-right axis malformations. Last evaluated: 2025-12-15. Review status: criteria provided, single submitter. Criteria: Invitae Variant Classification Sherloc (09022015). Collection method: clinical testing. Allele origin: germline.

Blueprint Genetics
Classification: Likely benign. Last evaluated: 2024-11-18. Review status: criteria provided, single submitter. Criteria: ACMG Guidelines, 2015. Collection method: clinical testing. Allele origin: germline.

Illumina Laboratory Services, Illumina
Classification: Benign for Left-right axis malformations. Last evaluated: 2018-01-12. Review status: criteria provided, single submitter. Criteria: ICSL Variant Classification Criteria 13 December 2019. Collection method: clinical testing. Allele origin: germline.
Comment: This variant was observed in the ICSL laboratory as part of a predisposition screen in an ostensibly healthy population. It had not been previously curated by ICSL or reported in the Human Gene Mutation Database (HGMD: prior to June 1st, 2018), and was therefore a candidate for classification through an automated scoring system. Utilizing variant allele frequency, disease prevalence and penetrance estimates, and inheritance mode, an automated score was calculated to assess if this variant is too frequent to cause the disease. Based on the score and internal cut-off values, a variant classified as benign is not then subjected to further curation. The score for this variant resulted in a classification of benign for this disease.

PreventionGenetics, part of Exact Sciences
Classification: Benign for LEFTY2-related condition. Last evaluated: 2023-10-04. Review status: no assertion criteria provided. Collection method: clinical testing. Allele origin: germline. Not counted in ClinVar's aggregate classification.
Comment: This variant is classified as benign based on ACMG/AMP sequence variant interpretation guidelines (Richards et al. 2015 PMID: 25741868, with internal and published modifications).